The following is an entry in ClinVar:

ClinVar aggregate classification (germline): Uncertain significance (1 of 4 stars; one submission).

Conditions:
RYR1-related disorder. Also called: RYR1-related disorders; RYR1-related condition. Identifiers: MedGen CN239331.

Allele frequency attached by ClinVar (database versions not stated): gnomAD exomes below 0.00001.
gnomAD v4.1: 1 of 1,614,036 alleles (0.000062%); highest among the groups gnomAD compares: Non-Finnish European, 0.000085%; no homozygotes.

Submission:

Labcorp Genetics (formerly Invitae), Labcorp
Classification: Uncertain significance for RYR1-related disorder. Last evaluated: 2018-08-07. Review status: criteria provided, single submitter. Criteria: Invitae Variant Classification Sherloc (09022015). Collection method: clinical testing. Allele origin: germline.
Comment: Algorithms developed to predict the effect of missense changes on protein structure and function do not agree on the potential impact of this missense change (SIFT: "Deleterious"; PolyPhen-2: "Possibly Damaging"; Align-GVGD: "Class C0"). In summary, the available evidence is currently insufficient to determine the role of this variant in disease. Therefore, it has been classified as a Variant of Uncertain Significance. This missense change is located in a region of the RYR1 protein where a significant number of previously reported RYR1 missense mutations are found (PMID: 16084090). These observations suggest that a previously unreported missense substitution within this region may affect protein function, but experiments have not been done to test this possibility. Algorithms developed to predict the effect of sequence changes on RNA splicing suggest that this variant may create or strengthen a splice site, but this prediction has not been confirmed by published transcriptional studies. This variant has not been reported in the literature in individuals with RYR1-related disease. This variant is not present in population databases (ExAC no frequency). This sequence change replaces glycine with arginine at codon 4896 of the RYR1 protein (p.Gly4896Arg). The glycine residue is highly conserved and there is a moderate physicochemical difference between glycine and arginine.

Literature cited by the submitters: PubMed 16084090.

NM_000540.3(RYR1):c.14686G>A (p.Gly4896Arg)

Gene: RYR1 (ryanodine receptor 1; plus strand). Cytogenetic location: 19q13.2.
Variant type: single nucleotide variant.
Coding change: c.14686G>A on transcript NM_000540.3 (MANE Select); coding-DNA position 14686, G replaced by A.
Protein change: p.Gly4896Arg; replaces glycine 4896 with arginine.
Molecular consequence: missense variant.
Genome position (GRCh38, 1-based): chr19:38,584,982, G>A. VCF-style: chr19-38584982-G-A. GRCh37 (hg19) VCF-style: chr19-39075622-G-A.
Other names: c.14671G>A, p.Gly4891Arg (NM_001042723.2); short protein forms G4896R, G4891R.
Identifiers: ClinVar variation 572559 (VCV000572559.7), dbSNP rs1568611478, ClinGen allele CA405690275.